The following is an entry in ClinVar:

ClinVar aggregate classification (germline): Likely benign. Review status: criteria provided, multiple submitters, no conflicts (2 of 4 stars). 2 submissions from 2 submitters: Likely benign (2). Last evaluated 2025-11-05.

Conditions:
Lethal congenital glycogen storage disease of heart. Also called: GLYCOGEN STORAGE DISEASE OF HEART; PHOSPHORYLASE KINASE DEFICIENCY OF HEART. Identifiers: Orphanet 439854, MedGen C1849813, MONDO:0009867, OMIM 261740.
Hypertrophic cardiomyopathy. Also called: HYPERTROPHIC MYOCARDIOPATHY. Identifiers: Orphanet 217569, MedGen C0007194, MeSH D002312, MONDO:0005045, HP:0001639.

Allele frequency attached by ClinVar (database versions not stated): gnomAD exomes 0.00001.
gnomAD v4.1: 3 of 1,586,218 alleles (0.00019%); highest among the groups gnomAD compares: Admixed American, 0.005%; no homozygotes.

Submissions (2):

Labcorp Genetics (formerly Invitae), Labcorp
Classification: Likely benign for Lethal congenital glycogen storage disease of heart. Last evaluated: 2025-11-05. Review status: criteria provided, single submitter. Criteria: Invitae Variant Classification Sherloc (09022015). Collection method: clinical testing. Allele origin: germline.

All of Us Research Program, National Institutes of Health
Classification: Likely benign for Hypertrophic cardiomyopathy. Last evaluated: 2023-10-02. Review status: criteria provided, single submitter. Criteria: ACMG Guidelines, 2015. Collection method: clinical testing. Allele origin: germline. Inheritance: Autosomal dominant inheritance. Observed: 1 variant allele, 1 heterozygote.
Comment: This study involves interpretation of variants in research participants for the purpose of population health screening. Participant phenotype was not available at the time of variant classification. Additional details can be found in publication PMID: 35346344, PMCID: PMC8962531

NM_016203.4(PRKAG2):c.1014T>A (p.Ile338=)

Gene: PRKAG2 (protein kinase AMP-activated non-catalytic subunit gamma 2; minus strand). Cytogenetic location: 7q36.1.
Variant type: single nucleotide variant.
Coding change: c.1014T>A on transcript NM_016203.4 (MANE Select); coding-DNA position 1014, T replaced by A.
Protein change: p.Ile338=; no amino-acid change (isoleucine 338 retained).
Molecular consequence: synonymous variant.
Genome position (GRCh38, 1-based): chr7:151,572,701, A>T on the plus strand (T>A on the coding strand, the complement: PRKAG2 is on the minus strand). VCF-style: chr7-151572701-A-T. GRCh37 (hg19) VCF-style: chr7-151269787-A-T.
Other names: c.882T>A, p.Ile294= (NM_001040633.2, NM_001407024.1); c.639T>A, p.Ile213= (NM_001304527.2, NM_001407029.1); c.291T>A, p.Ile97= (NM_001304531.2, NM_001407034.1, NM_001407035.1 and 1 more transcripts); c.642T>A, p.Ile214= (NM_001363698.2, NM_001407028.1); c.1014T>A, p.Ile338= (NM_001407021.1); c.1011T>A, p.Ile337= (NM_001407022.1, NM_001407023.1); c.879T>A, p.Ile293= (NM_001407026.1, NM_001407027.1); c.726T>A, p.Ile242= (NM_001407030.1); and 6 more.
Identifiers: ClinVar variation 3073507 (VCV003073507.2), dbSNP rs1433638745, ClinGen allele CA458670194.